The following is an entry in ClinVar:

ClinVar aggregate classification (germline): Benign/Likely benign. Review status: criteria provided, multiple submitters, no conflicts (2 of 4 stars). 6 submissions from 6 submitters: Benign (2); Likely benign (4). Last evaluated 2026-01-31.

Conditions:
CALM3-related disorder. Also called: CALM3-related condition.
Long QT syndrome 1 (LQT1). Identifiers: Orphanet 101016, Orphanet 768, MedGen C4551647, MONDO:0100316, OMIM 192500, MONDO:0008646.
Cardiovascular phenotype. Identifiers: MedGen CN230736.

Allele frequency attached by ClinVar (database versions not stated): gnomAD exomes 0.00015 and 0.00041; ExAC 0.00045; 1000 Genomes Project 0.00120; gnomAD 0.00135 and 0.00146; ESP Exome Variant Server 0.00169; 1000 Genomes Project 30x 0.00172; TOPMed 0.00176.
gnomAD v4.1: 434 of 1,613,526 alleles (0.027%); highest among the groups gnomAD compares: African/African-American, 0.48%; 1 homozygote.

Submissions (6):

Labcorp Genetics (formerly Invitae), Labcorp
Classification: Benign for Long QT syndrome 1. Last evaluated: 2026-01-31. Review status: criteria provided, single submitter. Criteria: Invitae Variant Classification Sherloc (09022015). Collection method: clinical testing. Allele origin: germline.

CeGaT Center for Human Genetics Tuebingen
Classification: Likely benign. Last evaluated: 2025-11-01. Review status: criteria provided, single submitter. Criteria: CeGaT Center For Human Genetics Tuebingen Variant Classification Criteria Version 2. Collection method: clinical testing. Allele origin: germline. Affected: yes. Observed: 1 variant allele.
Comment: CALM3: BP4, BP7

PreventionGenetics, part of Exact Sciences
Classification: Likely benign for CALM3-related condition. Last evaluated: 2025-01-09. Review status: criteria provided, single submitter. Criteria: ACMG Guidelines, 2015. Collection method: clinical testing. Allele origin: germline.
Comment: This variant is classified as likely benign based on ACMG/AMP sequence variant interpretation guidelines (Richards et al. 2015 PMID: 25741868, with internal and published modifications).

Women's Health and Genetics/Laboratory Corporation of America, LabCorp
Classification: Benign. Last evaluated: 2024-06-30. Review status: criteria provided, single submitter. Criteria: LabCorp Variant Classification Summary - May 2015. Collection method: clinical testing. Allele origin: germline.

GeneDx
Classification: Likely benign. Last evaluated: 2021-04-29. Review status: criteria provided, single submitter. Criteria: GeneDx Variant Classification Process June 2021. Collection method: clinical testing. Allele origin: germline. Affected: yes.

Ambry Genetics
Classification: Likely benign for Cardiovascular phenotype. Last evaluated: 2019-07-16. Review status: criteria provided, single submitter. Criteria: Ambry Variant Classification Scheme 2023. Collection method: clinical testing. Allele origin: germline.

NM_005184.4(CALM3):c.267G>A (p.Ala89=)

Gene: CALM3 (calmodulin 3; plus strand). Cytogenetic location: 19q13.32.
Variant type: single nucleotide variant.
Coding change: c.267G>A on transcript NM_005184.4 (MANE Select); coding-DNA position 267, G replaced by A.
Protein change: p.Ala89=; no amino-acid change (alanine 89 retained).
Molecular consequence: synonymous variant.
Genome position (GRCh38, 1-based): chr19:46,608,570, G>A. VCF-style: chr19-46608570-G-A. GRCh37 (hg19) VCF-style: chr19-47111827-G-A.
Other names: c.159G>A, p.Ala53= (NM_001329921.1, NM_001329923.1, NM_001329924.2 and 2 more transcripts); c.267G>A, p.Ala89= (NM_001329922.1); c.267G>A (NM_005184.3).
Identifiers: ClinVar variation 458195 (VCV000458195.25), dbSNP rs115265989, ClinGen allele CA9529789.